The following is an entry in ClinVar:

ClinVar aggregate classification (germline): Uncertain significance. Review status: criteria provided, multiple submitters, no conflicts (2 of 4 stars). 3 submissions from 3 submitters: Uncertain significance (3). Last evaluated 2026-04-21.

Conditions:
Fanconi anemia (FA). Also called: Fanconi's anemia. Identifiers: Orphanet 84, MedGen C0015625, MeSH D005199, MONDO:0019391.
Inborn genetic diseases. Identifiers: MedGen C0950123, MeSH D030342.

Allele frequency attached by ClinVar (database versions not stated): gnomAD 0.00001.
gnomAD v4.1: 2 of 1,614,002 alleles (0.00012%); highest among the groups gnomAD compares: East Asian, 0.0022%; no homozygotes.

Submissions (3):

Dasa
Classification: Uncertain significance. Last evaluated: 2026-04-21. Review status: criteria provided, single submitter. Criteria: DASA Assertion Criteria. Collection method: clinical testing. Allele origin: germline.
Comment: NM_001113378.2(FANCI):c.3377C>G (p.Pro1126Arg) is a missense variant that results in the substitution of proline with arginine. Multiple computational predictions suggest no deleterious effect on the gene or gene product. The variant is present at low frequency in population datasets. Based on the available data, this variant is classified as variant of uncertain significance.

Ambry Genetics
Classification: Uncertain significance for Inborn genetic diseases. Last evaluated: 2024-02-13. Review status: criteria provided, single submitter. Criteria: Ambry Variant Classification Scheme 2023. Collection method: clinical testing. Allele origin: germline.

Labcorp Genetics (formerly Invitae), Labcorp
Classification: Uncertain significance for Fanconi anemia. Last evaluated: 2021-08-13. Review status: criteria provided, single submitter. Criteria: Invitae Variant Classification Sherloc (09022015). Collection method: clinical testing. Allele origin: germline.
Comment: This sequence change replaces proline with arginine at codon 1126 of the FANCI protein (p.Pro1126Arg). The proline residue is weakly conserved and there is a moderate physicochemical difference between proline and arginine. This variant is not present in population databases (ExAC no frequency). This variant has not been reported in the literature in individuals affected with FANCI-related conditions. Algorithms developed to predict the effect of missense changes on protein structure and function (SIFT, PolyPhen-2, Align-GVGD) all suggest that this variant is likely to be tolerated. In summary, the available evidence is currently insufficient to determine the role of this variant in disease. Therefore, it has been classified as a Variant of Uncertain Significance.

NM_001113378.2(FANCI):c.3377C>G (p.Pro1126Arg)

Gene: FANCI (FA complementation group I; plus strand). Cytogenetic location: 15q26.1.
Variant type: single nucleotide variant.
Coding change: c.3377C>G on transcript NM_001113378.2 (MANE Select); coding-DNA position 3377, C replaced by G.
Protein change: p.Pro1126Arg; replaces proline 1126 with arginine.
Molecular consequence: missense variant.
Genome position (GRCh38, 1-based): chr15:89,306,034, C>G. VCF-style: chr15-89306034-C-G. GRCh37 (hg19) VCF-style: chr15-89849265-C-G.
Other names: c.3098C>G, p.Pro1033Arg (NM_001376910.1); c.3377C>G, p.Pro1126Arg (NM_001376911.1); c.3197C>G, p.Pro1066Arg (NM_018193.3); short protein forms P1126R, P1066R, P1033R.
Identifiers: ClinVar variation 526343 (VCV000526343.9), dbSNP rs78234788, ClinGen allele CA393740363.